The following is an entry in ClinVar:

NM_018100.4(EFHC1):c.1224C>T (p.Asp408=)

Gene: EFHC1 (EF-hand domain containing 1; plus strand). Cytogenetic location: 6p12.2.
Variant type: single nucleotide variant.
Coding change: c.1224C>T on transcript NM_018100.4 (MANE Select); coding-DNA position 1224, C replaced by T.
Protein change: p.Asp408=; no amino-acid change (aspartic acid 408 retained).
Molecular consequence: synonymous variant. On other transcripts: non-coding transcript variant (1).
Genome position (GRCh38, 1-based): chr6:52,469,419, C>T. VCF-style: chr6-52469419-C-T. GRCh37 (hg19) VCF-style: chr6-52334217-C-T.
Other names: p.D408D:GAC>GAT; c.1167C>T, p.Asp389= (NM_001172420.2).
Identifiers: ClinVar variation 128961 (VCV000128961.18), dbSNP rs116134831, ClinGen allele CA288805.

ClinVar aggregate classification (germline): Benign. Review status: criteria provided, multiple submitters, no conflicts (2 of 4 stars). 4 submissions from 4 submitters: Benign (3). 1 of the submissions does not count toward it. Last evaluated 2026-01-15.

Conditions:
Absence seizure. Also called: Absence epilepsy. Identifiers: Orphanet 1941, MedGen C0014553.
Myoclonic epilepsy, juvenile, susceptibility to, 1. Also called: Myoclonic Epilepsy, Juvenile, 1; EJM1. Identifiers: MedGen C1850778, MONDO:0020752, OMIM 254770.

Allele frequency attached by ClinVar (database versions not stated): gnomAD exomes 0.00202; gnomAD 0.00613 and 0.00586; 1000 Genomes Project 30x 0.00937; 1000 Genomes Project 0.00978; ESP Exome Variant Server 0.00431; ExAC 0.00248; TOPMed 0.00604.
gnomAD v4.1: 2,382 of 1,613,992 alleles (0.15%); highest among the groups gnomAD compares: African/African-American, 2%; 25 homozygotes.

Submissions (4):

Labcorp Genetics (formerly Invitae), Labcorp
Classification: Benign for Myoclonic epilepsy, juvenile, susceptibility to, 1; Absence seizure. Last evaluated: 2026-01-15. Review status: criteria provided, single submitter. Criteria: Invitae Variant Classification Sherloc (09022015). Collection method: clinical testing. Allele origin: germline.

Athena Diagnostics
Classification: Benign. Last evaluated: 2025-04-18. Review status: criteria provided, single submitter. Criteria: Athena Diagnostics Criteria. Collection method: clinical testing. Allele origin: unknown.
Comment: The frequency of this variant in the general population is higher than would generally be expected for pathogenic variants in this gene.

GeneDx
Classification: Benign. Last evaluated: 2013-01-22. Review status: criteria provided, single submitter. Criteria: GeneDx Variant Classification (06012015). Collection method: clinical testing. Allele origin: germline. Affected: yes.
Comment: This variant is considered likely benign or benign based on one or more of the following criteria: it is a conservative change, it occurs at a poorly conserved position in the protein, it is predicted to be benign by multiple in silico algorithms, and/or has population frequency not consistent with disease.

Genetic Services Laboratory, University of Chicago
Classification: Likely benign for AllHighlyPenetrant. Review status: no assertion criteria provided. Collection method: clinical testing. Allele origin: germline. Not counted in ClinVar's aggregate classification.
Comment: Likely benign based on allele frequency in 1000 Genomes Project or ESP global frequency and its presence in a patient with a rare or unrelated disease phenotype. NOT Sanger confirmed.